The following is an entry in ClinVar:

NM_000124.4(ERCC6):c.537dup (p.Asn180Ter)

Gene: ERCC6 (ERCC excision repair 6, chromatin remodeling factor; minus strand). Cytogenetic location: 10q11.23.
Variant type: Duplication.
Coding change: c.537dup on transcript NM_000124.4 (MANE Select); coding-DNA position 537, one base duplicated (T; older notation c.537dupT).
Protein change: p.Asn180Ter; replaces asparagine 180 with a stop codon.
Molecular consequence: nonsense.
Genome position (GRCh38, 1-based): chr10:49,530,726, A duplicated on the plus strand (T on the coding strand, the reverse complement: ERCC6 is on the minus strand). VCF-style (leftmost placement, unchanged base first): chr10-49530725-T-TA. GRCh37 (hg19) VCF-style: chr10-50738771-T-TA.
Other names: c.537dup, p.Asn180Ter (NM_001277058.2, NM_001277059.2, NM_001346440.2); short protein forms N180*.
Identifiers: ClinVar variation 1068519 (VCV001068519.7), dbSNP rs2132635486, ClinGen allele CA2499220257.

ClinVar aggregate classification (germline): Pathogenic (1 of 4 stars; one submission).

Submission:

Labcorp Genetics (formerly Invitae), Labcorp
Classification: Pathogenic. Last evaluated: 2025-01-24. Review status: criteria provided, single submitter. Criteria: Invitae Variant Classification Sherloc (09022015). Collection method: clinical testing. Allele origin: germline.
Comment: This sequence change creates a premature translational stop signal (p.Asn180*) in the ERCC6 gene. It is expected to result in an absent or disrupted protein product. Loss-of-function variants in ERCC6 are known to be pathogenic (PMID: 18628313, 29572252). This variant is not present in population databases (gnomAD no frequency). This variant has not been reported in the literature in individuals affected with ERCC6-related conditions. ClinVar contains an entry for this variant (Variation ID: 1068519). For these reasons, this variant has been classified as Pathogenic.

Literature cited by the submitters: PubMed 18628313; PubMed 29572252.